The following is an entry in ClinVar:

ClinVar aggregate classification (germline): Uncertain significance. Review status: criteria provided, single submitter (1 of 4 stars). 2 submissions from 2 submitters: Uncertain significance (1). 1 of the submissions does not count toward it. Last evaluated 2018-07-16.

Conditions:
BAAT-related disorder. Also called: BAAT-related condition.

Allele frequency attached by ClinVar (database versions not stated): gnomAD exomes 0.00004 and 0.00016; ExAC 0.00015; gnomAD 0.00035 and 0.00038; TOPMed 0.00036; 1000 Genomes Project 0.00040; 1000 Genomes Project 30x 0.00047; ESP Exome Variant Server 0.00069.
gnomAD v4.1: 118 of 1,614,072 alleles (0.0073%); highest among the groups gnomAD compares: African/African-American, 0.14%; no homozygotes.

Submissions (2):

Eurofins Ntd Llc (ga)
Classification: Uncertain significance. Last evaluated: 2018-07-16. Review status: criteria provided, single submitter. Criteria: EGL ClinVar v180209 classification definitions. Collection method: clinical testing. Allele origin: germline. Observed: 2 variant alleles, 2 heterozygotes.

PreventionGenetics, part of Exact Sciences
Classification: Likely benign for BAAT-related condition. Last evaluated: 2022-05-06. Review status: no assertion criteria provided. Collection method: clinical testing. Allele origin: germline. Not counted in ClinVar's aggregate classification.
Comment: This variant is classified as likely benign based on ACMG/AMP sequence variant interpretation guidelines (Richards et al. 2015 PMID: 25741868, with internal and published modifications).

NM_001701.4(BAAT):c.403C>G (p.Pro135Ala)

Gene: BAAT (bile acid-CoA:amino acid N-acyltransferase; minus strand). Cytogenetic location: 9q31.1.
Variant type: single nucleotide variant.
Coding change: c.403C>G on transcript NM_001701.4 (MANE Select); coding-DNA position 403, C replaced by G.
Protein change: p.Pro135Ala; replaces proline 135 with alanine.
Molecular consequence: missense variant.
Genome position (GRCh38, 1-based): chr9:101,371,002, G>C on the plus strand (C>G on the coding strand, the complement: BAAT is on the minus strand). VCF-style: chr9-101371002-G-C. GRCh37 (hg19) VCF-style: chr9-104133284-G-C.
Other names: c.403C>G, p.Pro135Ala (NM_001127610.2, NM_001374715.1); c.403C>G (NM_001701.3); short protein forms P135A.
Identifiers: ClinVar variation 595242 (VCV000595242.7), dbSNP rs138613717, ClinGen allele CA5160727.